The following is an entry in ClinVar:

ClinVar aggregate classification (germline): Likely pathogenic (1 of 4 stars; one submission).

Submission:

Mayo Clinic Laboratories, Mayo Clinic
Classification: Likely pathogenic. Last evaluated: 2025-06-19. Review status: criteria provided, single submitter. Criteria: ACMG Guidelines, 2015. Collection method: clinical testing. Allele origin: germline. Observed: 1 variant allele.
Comment: PP3_moderate, PP4_strong, PM2_supporting, PM5

Literature cited by the submitters: PubMed 16835901; PubMed 19652879; PubMed 29138690.

NM_000128.4(F11):c.449C>A (p.Thr150Lys)

Gene: F11 (coagulation factor XI; plus strand). Cytogenetic location: 4q35.2.
Variant type: single nucleotide variant.
Coding change: c.449C>A on transcript NM_000128.4 (MANE Select); coding-DNA position 449, C replaced by A.
Protein change: p.Thr150Lys; replaces threonine 150 with lysine.
Molecular consequence: missense variant.
Genome position (GRCh38, 1-based): chr4:186,274,239, C>A. VCF-style: chr4-186274239-C-A. GRCh37 (hg19) VCF-style: chr4-187195393-C-A.
Other names: p.Thr150Lys; c.449C>A, p.Thr150Lys (NM_001354804.2, NM_001440590.1, NM_001440593.1 and 5 more transcripts); short protein forms T150K.
Identifiers: ClinVar variation 4541022 (VCV004541022.1).